The following is an entry in ClinVar:

NM_001012720.2(RGR):c.343C>A (p.His115Asn)

Gene: RGR (retinal G protein coupled receptor; plus strand). Cytogenetic location: 10q23.1.
Variant type: single nucleotide variant.
Coding change: c.343C>A on transcript NM_001012720.2 (MANE Select); coding-DNA position 343, C replaced by A.
Protein change: p.His115Asn; replaces histidine 115 with asparagine.
Molecular consequence: missense variant.
Genome position (GRCh38, 1-based): chr10:84,249,028, C>A. VCF-style: chr10-84249028-C-A. GRCh37 (hg19) VCF-style: chr10-86008784-C-A.
Other names: c.343C>A, p.His115Asn (NM_001012722.2); c.355C>A, p.His119Asn (NM_002921.4); short protein forms H115N, H119N.
Identifiers: ClinVar variation 2819455 (VCV002819455.3), dbSNP rs2492629361, ClinGen allele CA377391286.

ClinVar aggregate classification (germline): Uncertain significance (1 of 4 stars; one submission).

gnomAD v4.1: 1 of 1,614,024 alleles (0.000062%); highest among the groups gnomAD compares: Non-Finnish European, 0.000085%; no homozygotes.

Submission:

Labcorp Genetics (formerly Invitae), Labcorp
Classification: Uncertain significance. Last evaluated: 2022-12-09. Review status: criteria provided, single submitter. Criteria: Invitae Variant Classification Sherloc (09022015). Collection method: clinical testing. Allele origin: germline.
Comment: In summary, the available evidence is currently insufficient to determine the role of this variant in disease. Therefore, it has been classified as a Variant of Uncertain Significance. Algorithms developed to predict the effect of missense changes on protein structure and function are either unavailable or do not agree on the potential impact of this missense change (SIFT: "Deleterious"; PolyPhen-2: "Not Available"; Align-GVGD: "Class C25"). This variant has not been reported in the literature in individuals affected with RGR-related conditions. This variant is not present in population databases (gnomAD no frequency). This sequence change replaces histidine, which is basic and polar, with asparagine, which is neutral and polar, at codon 115 of the RGR protein (p.His115Asn).